The following is an entry in ClinVar:

NM_000070.3(CAPN3):c.1621C>G (p.Arg541Gly)

Gene: CAPN3 (calpain 3; plus strand). Cytogenetic location: 15q15.1.
Variant type: single nucleotide variant.
Coding change: c.1621C>G on transcript NM_000070.3 (MANE Select); coding-DNA position 1621, C replaced by G.
Protein change: p.Arg541Gly; replaces arginine 541 with glycine.
Molecular consequence: missense variant.
Genome position (GRCh38, 1-based): chr15:42,402,878, C>G. VCF-style: chr15-42402878-C-G. GRCh37 (hg19) VCF-style: chr15-42695076-C-G.
Other names: c.85C>G, p.Arg29Gly (NM_173088.2); c.1621C>G, p.Arg541Gly (NM_024344.2); c.1477C>G, p.Arg493Gly (NM_173087.2); short protein forms R541G, R493G, R29G.
Identifiers: ClinVar variation 282677 (VCV000282677.20), dbSNP rs142004418, ClinGen allele CA10604265.
Genomic context (GRCh38, chr15:42,402,878, plus strand): 5'-CAGAAGGACTTCTTCCTGTACAACGCCTCCAAGGCCAGGAGCAAAACCTACATCAACATG[C>G]GGGAGGTGTCCCAGCGCTTCCGCCTGCCTCCCAGCGAGTACGTCATCGTGCCCTCCACCT-3'
Protein context (NP_000061.1, residues 531-551): KARSKTYINM[Arg541Gly]EVSQRFRLPP

ClinVar aggregate classification (germline): Conflicting classifications of pathogenicity. Review status: criteria provided, conflicting classifications (1 of 4 stars). 4 submissions from 4 submitters: Likely pathogenic (2); Uncertain significance (2). Last evaluated 2025-07-22.

Conditions:
CAPN3-related disorder. Also called: CAPN3-related condition; CAPN3-related disorders. Identifiers: MedGen CN239245.
Autosomal recessive limb-girdle muscular dystrophy type 2A (LGMDR1). Also called: Muscular dystrophy, limb-girdle, type 2A, Amish; LEYDEN-MOEBIUS MUSCULAR DYSTROPHY; MUSCULAR DYSTROPHY, PELVOFEMORAL; Limb-girdle muscular dystrophy, type 2A; Calpainopathy. Identifiers: Orphanet 267, MedGen C1869123, MONDO:0009675, OMIM 253600. Disease mechanism: loss of function.

gnomAD v4.1: 14 of 1,614,110 alleles (0.00087%); highest among the groups gnomAD compares: Non-Finnish European, 0.0012%; no homozygotes.

Submissions (4):

GeneDx
Classification: Likely pathogenic. Last evaluated: 2025-07-22. Review status: criteria provided, single submitter. Criteria: GeneDx Variant Classification Process June 2021. Collection method: clinical testing. Allele origin: germline. Affected: yes.
Comment: Not observed at significant frequency in large population cohorts (gnomAD); In silico analysis supports that this missense variant has a deleterious effect on protein structure/function; Has not been previously published as pathogenic or benign to our knowledge; This variant is associated with the following publications: (PMID: 16141003, 16100770, 30919934, 35157181)

CeGaT Center for Human Genetics Tuebingen
Classification: Likely pathogenic. Last evaluated: 2025-06-01. Review status: criteria provided, single submitter. Criteria: CeGaT Center For Human Genetics Tuebingen Variant Classification Criteria Version 2. Collection method: clinical testing. Allele origin: germline. Affected: yes. Observed: 1 variant allele.
Comment: CAPN3: PM2, PM5, PM3:Supporting, PP3

Labcorp Genetics (formerly Invitae), Labcorp
Classification: Uncertain significance for Autosomal recessive limb-girdle muscular dystrophy type 2A. Last evaluated: 2021-08-13. Review status: criteria provided, single submitter. Criteria: Invitae Variant Classification Sherloc (09022015). Collection method: clinical testing. Allele origin: germline.
Comment: This sequence change replaces arginine with glycine at codon 541 of the CAPN3 protein (p.Arg541Gly). The arginine residue is highly conserved and there is a moderate physicochemical difference between arginine and glycine. This variant is not present in population databases (ExAC no frequency). This missense change has been observed in individual(s) with clinical features of CAPN3-related conditions (Invitae). ClinVar contains an entry for this variant (Variation ID: 282677). Algorithms developed to predict the effect of missense changes on protein structure and function are either unavailable or do not agree on the potential impact of this missense change (SIFT: "Deleterious"; PolyPhen-2: "Probably Damaging"; Align-GVGD: "Class C0"). This variant disrupts the p.Arg541 amino acid residue in CAPN3. Other variant(s) that disrupt this residue have been observed in individuals with CAPN3-related conditions (PMID: 14981715, 16141003), which suggests that this may be a clinically significant amino acid residue. In summary, the available evidence is currently insufficient to determine the role of this variant in disease. Therefore, it has been classified as a Variant of Uncertain Significance.

Eurofins Ntd Llc (ga)
Classification: Uncertain significance. Last evaluated: 2015-10-06. Review status: criteria provided, single submitter. Criteria: EGL Classification Definitions 2015. Collection method: clinical testing. Allele origin: germline. Observed: 2 variant alleles, 2 heterozygotes.

Literature cited by the submitters: PubMed 14981715 (cited by Labcorp Genetics (formerly Invitae), Labcorp); PubMed 16141003 (cited by Labcorp Genetics (formerly Invitae), Labcorp).